The following is an entry in ClinVar:

NM_003482.4(KMT2D):c.3169C>T (p.Pro1057Ser)

Gene: KMT2D (lysine methyltransferase 2D; minus strand). Cytogenetic location: 12q13.12.
Variant type: single nucleotide variant.
Coding change: c.3169C>T on transcript NM_003482.4 (MANE Select); coding-DNA position 3169, C replaced by T.
Protein change: p.Pro1057Ser; replaces proline 1057 with serine.
Molecular consequence: missense variant.
Genome position (GRCh38, 1-based): chr12:49,050,419, G>A on the plus strand (C>T on the coding strand, the complement: KMT2D is on the minus strand). VCF-style: chr12-49050419-G-A. GRCh37 (hg19) VCF-style: chr12-49444202-G-A.
Other names: short protein forms P1057S.
Identifiers: ClinVar variation 2687903 (VCV002687903.1), dbSNP rs2120650439.

ClinVar aggregate classification (germline): Likely benign (1 of 4 stars; one submission).

Conditions:
Kabuki syndrome 1 (KABUK1). Also called: KMT2D-Related Kabuki Syndrome. Identifiers: Orphanet 2322, MedGen CN030661, MONDO:0007843, OMIM 147920.

Submission:

Tartaglia Lab, Genetics and Rare Diseases Research Division, Bambino Gesu' Children's Hospital
Classification: Likely benign for Kabuki syndrome 1. Last evaluated: 2023-12-31. Review status: criteria provided, single submitter. Criteria: ACMG Guidelines, 2015. Collection method: research. Allele origin: paternal. Affected: yes.
Comment: The variant was functionally validated by DNA methylayion profiling using a previously reported Kabuki syndrome-specific episignature (PMID: 32109418)